The following is an entry in ClinVar:

NM_001374736.1(DST):c.14146A>G (p.Ile4716Val)

Genes: DST (dystonin; minus strand), LOC129389544 (MPRA-validated peak5860 silencer; plus strand). Cytogenetic location: 6p12.1.
Variant type: single nucleotide variant.
Coding change: c.14146A>G on transcript NM_001374736.1 (MANE Select); coding-DNA position 14146, A replaced by G.
Protein change: p.Ile4716Val; replaces isoleucine 4716 with valine.
Molecular consequence: missense variant.
Genome position (GRCh38, 1-based): chr6:56,561,472, T>C on the plus strand (A>G on the coding strand, the complement: DST is on the minus strand). VCF-style: chr6-56561472-T-C. GRCh37 (hg19) VCF-style: chr6-56426270-T-C.
Other names: c.7789A>G, p.Ile2597Val (NM_001144769.5); c.7375A>G, p.Ile2459Val (NM_001144770.2); c.14146A>G, p.Ile4716Val (NM_001374722.1); c.13513A>G, p.Ile4505Val (NM_001374729.1); c.7255A>G, p.Ile2419Val (NM_001374730.1, NM_001386100.1, NM_183380.4); c.14173A>G, p.Ile4725Val (NM_001374734.1); c.6277A>G, p.Ile2093Val (NM_015548.5); short protein forms I2419V, I4725V, I4505V, I4716V, I2093V, I2459V, I2597V.
Identifiers: ClinVar variation 1760624 (VCV001760624.2), dbSNP rs1235137512, ClinGen allele CA364522878.
Genomic context (GRCh38, chr6:56,561,472, plus strand): 5'-TTGCACTTGATTCTTCCTGAGCCTTTTGCAATTTGGAGAGTTTAGTGTTCAGTTCCGCTA[T>C]TTTGTCCTTGAGTAAGAGGCCAAGATCTTCATAACCATGACTTATGTCAGTCATGTCCTT-3'
Protein context (NP_001361665.1, residues 4706-4726): EDLGLLLKDK[Ile4716Val]AELNTKLSKL

ClinVar aggregate classification (germline): Uncertain significance (1 of 4 stars; one submission).

Conditions:
Inborn genetic diseases. Identifiers: MedGen C0950123, MeSH D030342.

Allele frequency attached by ClinVar (database versions not stated): TOPMed below 0.00001; gnomAD exomes 0.00001.
gnomAD v4.1: 6 of 1,613,900 alleles (0.00037%); highest among the groups gnomAD compares: Non-Finnish European, 0.00051%; no homozygotes.

Submission:

Ambry Genetics
Classification: Uncertain significance for Inborn genetic diseases. Last evaluated: 2020-03-12. Review status: criteria provided, single submitter. Criteria: Ambry Variant Classification Scheme 2023. Collection method: clinical testing. Allele origin: germline.
Comment: The p.I2597V variant (also known as c.7789A>G), located in coding exon 51 of the DST gene, results from an A to G substitution at nucleotide position 7789. The isoleucine at codon 2597 is replaced by valine, an amino acid with highly similar properties. This amino acid position is well conserved in available vertebrate species. In addition, this alteration is predicted to be tolerated by in silico analysis. Since supporting evidence is limited at this time, the clinical significance of this alteration remains unclear.